The following is an entry in ClinVar:

NM_002439.5(MSH3):c.1554G>C (p.Met518Ile)

Gene: MSH3 (mutS homolog 3; plus strand). Cytogenetic location: 5q14.1.
Variant type: single nucleotide variant.
Coding change: c.1554G>C on transcript NM_002439.5 (MANE Select); coding-DNA position 1554, G replaced by C.
Protein change: p.Met518Ile; replaces methionine 518 with isoleucine.
Molecular consequence: missense variant.
Genome position (GRCh38, 1-based): chr5:80,728,951, G>C. VCF-style: chr5-80728951-G-C. GRCh37 (hg19) VCF-style: chr5-80024770-G-C.
Other names: short protein forms M518I.
Identifiers: ClinVar variation 3222240 (VCV003222240.1), dbSNP rs1329854315, ClinGen allele CA360274362.

ClinVar aggregate classification (germline): Uncertain significance (1 of 4 stars; one submission).

Conditions:
Hereditary cancer-predisposing syndrome. Also called: Tumor predisposition; Hereditary neoplastic syndrome; Hereditary Cancer Syndrome; Neoplastic Syndromes, Hereditary. Identifiers: Orphanet 140162, MedGen C0027672, MeSH D009386, MONDO:0015356.

Allele frequency attached by ClinVar (database versions not stated): TOPMed below 0.00001.

Submission:

Ambry Genetics
Classification: Uncertain significance for Hereditary cancer-predisposing syndrome. Last evaluated: 2024-01-31. Review status: criteria provided, single submitter. Criteria: Ambry Variant Classification Scheme 2023. Collection method: clinical testing. Allele origin: germline.
Comment: The p.M518I variant (also known as c.1554G>C), located in coding exon 10 of the MSH3 gene, results from a G to C substitution at nucleotide position 1554. The methionine at codon 518 is replaced by isoleucine, an amino acid with highly similar properties. This amino acid position is conserved. In addition, this alteration is predicted to be tolerated by in silico analysis. Based on the available evidence, the clinical significance of this alteration remains unclear.